The following is an entry in ClinVar:

ClinVar aggregate classification (germline): Pathogenic (1 of 4 stars; one submission).

Submission:

Quest Diagnostics Nichols Institute San Juan Capistrano
Classification: Pathogenic. Last evaluated: 2024-12-26. Review status: criteria provided, single submitter. Criteria: ACMG/ClinGen CNV Guidelines, 2019. Collection method: clinical testing. Allele origin: unknown.
Comment: This deletion involves at least 10 protein-coding genes, including FRMD7 (OMIM 300628). Haploinsufficiency of FRMD7 is associated with X-linked nystagmus (OMIM 310700), which is shown to have variable expressivity within families (CCID:007164; AlMoallem 2015, Liu 2023). There are no similar copy number losses of this region in the general populations of the Database of Genomic Variants. Thus, based on current medical literature, this copy number variant (CNV) is classified as pathogenic; however, clinical presentation in a female is likely dependent upon X-inactivation status. References: AlMoallem et al., Invest Ophthalmol Vis Sci. 2015 Feb 12;56(3):1701-10. PMID: 25678693 Liu et al., Front Ophthalmol (Lausanne). 2023 Mar 6:2:1080869. PMID: 38983508

GRCh37/hg19 Xq26.2(chrX:130640808-132595361)x1

Genes: FRMD7 (FERM domain containing 7; minus strand), GPC4 (glypican 4; minus strand), HS6ST2 (heparan sulfate 6-O-sulfotransferase 2; minus strand), MBNL3 (muscleblind like splicing regulator 3; minus strand), OR13H1 (olfactory receptor family 13 subfamily H member 1; plus strand) and 4 more. Cytogenetic location: Xq26.2.
Variant type: copy number loss.
Change: copy number 1 of chrX:130,640,808-132,595,361 (1.95 Mb, GRCh37 coordinates, 1-based), cytogenetic band Xq26.2.
Identifiers: ClinVar variation 4683023 (VCV004683023.1).